The following is an entry in ClinVar:

ClinVar aggregate classification (germline): Uncertain significance. Review status: criteria provided, multiple submitters, no conflicts (2 of 4 stars). 2 submissions from 2 submitters: Uncertain significance (2). Last evaluated 2026-07-20.

Conditions:
Inborn genetic diseases. Identifiers: MedGen C0950123, MeSH D030342.

Submissions (2):

GeneDx
Classification: Uncertain significance. Last evaluated: 2026-07-20. Review status: criteria provided, single submitter. Criteria: GeneDx Variant Classification Process June 2021. Collection method: clinical testing. Allele origin: germline.
Comment: Not observed at significant frequency in large population cohorts (gnomAD); In silico analysis indicates that this missense variant does not alter protein structure/function; Has not been previously published as pathogenic or benign to our knowledge

Ambry Genetics
Classification: Uncertain significance for Inborn genetic diseases. Last evaluated: 2025-01-23. Review status: criteria provided, single submitter. Criteria: Ambry Variant Classification Scheme 2023. Collection method: clinical testing. Allele origin: germline.
Comment: The p.N1323D variant (also known as c.3967A>G), located in coding exon 27 of the ANKRD26 gene, results from an A to G substitution at nucleotide position 3967. The asparagine at codon 1323 is replaced by aspartic acid, an amino acid with highly similar properties. This amino acid position is conserved. In addition, this alteration is predicted to be tolerated by in silico analysis. Based on the available evidence, the clinical significance of this variant remains unclear.

NM_014915.3(ANKRD26):c.3967A>G (p.Asn1323Asp)

Gene: ANKRD26 (ankyrin repeat domain 26; minus strand). Cytogenetic location: 10p12.1.
Variant type: single nucleotide variant.
Coding change: c.3967A>G on transcript NM_014915.3 (MANE Select); coding-DNA position 3967, A replaced by G.
Protein change: p.Asn1323Asp; replaces asparagine 1323 with aspartic acid.
Molecular consequence: missense variant.
Genome position (GRCh38, 1-based): chr10:27,028,857, T>C on the plus strand (A>G on the coding strand, the complement: ANKRD26 is on the minus strand). VCF-style: chr10-27028857-T-C. GRCh37 (hg19) VCF-style: chr10-27317786-T-C.
Other names: c.3964A>G, p.Asn1322Asp (NM_001256053.2); short protein forms N1322D, N1323D.
Identifiers: ClinVar variation 3375541 (VCV003375541.3).